The following is an entry in ClinVar:

NM_004304.5(ALK):c.2910A>G (p.Leu970=)

Gene: ALK (ALK receptor tyrosine kinase; minus strand). Cytogenetic location: 2p23.2.
Variant type: single nucleotide variant.
Coding change: c.2910A>G on transcript NM_004304.5 (MANE Select); coding-DNA position 2910, A replaced by G.
Protein change: p.Leu970=; no amino-acid change (leucine 970 retained).
Molecular consequence: synonymous variant.
Genome position (GRCh38, 1-based): chr2:29,227,578, T>C on the plus strand (A>G on the coding strand, the complement: ALK is on the minus strand). VCF-style: chr2-29227578-T-C. GRCh37 (hg19) VCF-style: chr2-29450444-T-C.
Other names: c.2910A>G (NM_004304.4).
Identifiers: ClinVar variation 1692777 (VCV001692777.2), dbSNP rs2148179292, ClinGen allele CA425436102.
Genomic context (GRCh38, chr2:29,227,578, plus strand): 5'-CTTGGTGGGAGGACTGACCTAAGCAAGTTTGTTCTGCTGCCTGGCAGAGAAGCTACCTTT[T>C]AAAGCTGGGGTGTACAGGATGCCCAGTGGACTGATGAAGGAAACCCCATCTTCCCCATCC-3'
Protein context (NP_004295.2, residues 960-980): SPLGILYTPA[Leu970=]KVMEGHGEVN

ClinVar aggregate classification (germline): Conflicting classifications of pathogenicity. Review status: criteria provided, conflicting classifications (1 of 4 stars). 2 submissions from 2 submitters: Uncertain significance (1); Likely benign (1). Last evaluated 2025-03-05.

Conditions:
Hereditary cancer-predisposing syndrome. Also called: Hereditary neoplastic syndrome; Tumor predisposition; Neoplastic Syndromes, Hereditary; Hereditary Cancer Syndrome. Identifiers: Orphanet 140162, MedGen C0027672, MeSH D009386, MONDO:0015356.

Submissions (2):

Ambry Genetics
Classification: Uncertain significance for Hereditary cancer-predisposing syndrome. Last evaluated: 2025-03-05. Review status: criteria provided, single submitter. Criteria: Ambry Variant Classification Scheme 2023. Collection method: clinical testing. Allele origin: germline.
Comment: The c.2910A>G variant (also known as p.L970L), located in coding exon 17 of the ALK gene, results from an A to G substitution at nucleotide position 2910. This nucleotide substitution does not change the leucine at codon 970. This nucleotide position is not well conserved in available vertebrate species. In silico splice site analysis for this alteration is inconclusive. Based on the available evidence, the clinical significance of this variant remains unclear.

Sema4
Classification: Likely benign for Hereditary cancer-predisposing syndrome. Last evaluated: 2022-03-09. Review status: criteria provided, single submitter. Criteria: Sema4 Curation Guidelines. Collection method: curation. Allele origin: germline.